The following is an entry in ClinVar:

NM_006254.4(PRKCD):c.1976C>T (p.Ala659Val)

Genes: PRKCD (protein kinase C delta; plus strand), LOC129936899 (ATAC-STARR-seq lymphoblastoid active region 19967; plus strand). Cytogenetic location: 3p21.1.
Variant type: single nucleotide variant.
Coding change: c.1976C>T on transcript NM_006254.4 (MANE Select); coding-DNA position 1976, C replaced by T.
Protein change: p.Ala659Val; replaces alanine 659 with valine.
Molecular consequence: missense variant.
Genome position (GRCh38, 1-based): chr3:53,192,211, C>T. VCF-style: chr3-53192211-C-T. GRCh37 (hg19) VCF-style: chr3-53226227-C-T.
Other names: c.1976C>T (NM_006254.3); c.1976C>T, p.Ala659Val (NM_001316327.2, NM_001354679.2, NM_001354680.2 and 1 more transcripts); c.2033C>T, p.Ala678Val (NM_001354676.2); c.2024C>T, p.Ala675Val (NM_001354678.2); short protein forms A659V, A675V, A678V.
Identifiers: ClinVar variation 1690497 (VCV001690497.5), dbSNP rs782059592, ClinGen allele CA2452333.

ClinVar aggregate classification (germline): Uncertain significance. Review status: criteria provided, multiple submitters, no conflicts (2 of 4 stars). 4 submissions from 4 submitters: Uncertain significance (4). Last evaluated 2025-10-30.

Conditions:
Inborn genetic diseases. Identifiers: MedGen C0950123, MeSH D030342.

Allele frequency attached by ClinVar (database versions not stated): ExAC 0.00002; gnomAD 0.00002; gnomAD exomes 0.00002; TOPMed 0.00002.

Submissions (4):

Ambry Genetics
Classification: Uncertain significance for Inborn genetic diseases. Last evaluated: 2025-10-30. Review status: criteria provided, single submitter. Criteria: Ambry Variant Classification Scheme 2023. Collection method: clinical testing. Allele origin: germline.

Blueprint Genetics
Classification: Uncertain significance. Last evaluated: 2023-10-18. Review status: criteria provided, single submitter. Criteria: ACMG Guidelines, 2015. Collection method: clinical testing. Allele origin: germline.

GeneDx
Classification: Uncertain significance. Last evaluated: 2023-04-26. Review status: criteria provided, single submitter. Criteria: GeneDx Variant Classification Process June 2021. Collection method: clinical testing. Allele origin: germline. Affected: yes.
Comment: In silico analysis supports that this missense variant does not alter protein structure/function; Has not been previously published as pathogenic or benign to our knowledge

Laboratorio de Genetica e Diagnostico Molecular, Hospital Israelita Albert Einstein
Classification: Uncertain significance. Last evaluated: 2021-11-16. Review status: criteria provided, single submitter. Criteria: ACMG Guidelines, 2015. Collection method: clinical testing. Allele origin: germline. Affected: yes.
Comment: ACMG classification criteria: PM2, BP4